The following is an entry in ClinVar:

NM_201384.3(PLEC):c.3675C>T (p.Asp1225=)

Gene: PLEC (plectin; minus strand). Cytogenetic location: 8q24.3.
Variant type: single nucleotide variant.
Coding change: c.3675C>T on transcript NM_201384.3 (MANE Select); coding-DNA position 3675, C replaced by T.
Protein change: p.Asp1225=; no amino-acid change (aspartic acid 1225 retained).
Molecular consequence: synonymous variant.
Genome position (GRCh38, 1-based): chr8:143,927,491, G>A on the plus strand (C>T on the coding strand, the complement: PLEC is on the minus strand). VCF-style: chr8-143927491-G-A. GRCh37 (hg19) VCF-style: chr8-145001659-G-A.
Other names: c.3756C>T, p.Asp1252= (NM_000445.5); c.3633C>T, p.Asp1211= (NM_201378.4); c.3609C>T, p.Asp1203= (NM_201379.3); c.4086C>T, p.Asp1362= (NM_201380.4); c.3579C>T, p.Asp1193= (NM_201381.3); c.3675C>T, p.Asp1225= (NM_201382.4); c.3687C>T, p.Asp1229= (NM_201383.3).
Identifiers: ClinVar variation 391771 (VCV000391771.10), dbSNP rs781868453, ClinGen allele CA4926991.
Genomic context (GRCh38, chr8:143,927,491, plus strand): 5'-CCGCACAGCCTGGCTGTCGGCCAGCGGCATGGCCTGGATCTGCTCCTGCCGCCGCCTGGC[G>A]TCCTGCAGCCAGGCGCCCAAGGGGTCTGCACTCTCGCGGTAGTAACGCAGCTGGCGGCCC-3'
Protein context (NP_958786.1, residues 1215-1235): SADPLGAWLQ[Asp1225=]ARRRQEQIQA

ClinVar aggregate classification (germline): Likely benign. Review status: criteria provided, multiple submitters, no conflicts (2 of 4 stars). 4 submissions from 4 submitters: Likely benign (4). Last evaluated 2026-02-11.

Conditions:
PLEC-related disorder. Also called: PLEC-related disorders; PLEC-related condition.
Autosomal recessive limb-girdle muscular dystrophy type 2Q (LGMDR17). Also called: MUSCULAR DYSTROPHY, LIMB-GIRDLE, AUTOSOMAL RECESSIVE 17. Identifiers: Orphanet 254361, MedGen C3150989, MONDO:0013390, OMIM 613723.
Epidermolysis bullosa simplex 5B, with muscular dystrophy (EBS5B). Also called: EPIDERMOLYSIS BULLOSA SIMPLEX AND LIMB-GIRDLE MUSCULAR DYSTROPHY; Epidermolysis bullosa simplex with muscular dystrophy. Identifiers: Orphanet 257, MedGen C2931072, MONDO:0009181, OMIM 226670.
Epidermolysis bullosa simplex with nail dystrophy (EBS5D). Identifiers: MedGen C4225309, MONDO:0014661, OMIM 616487.
Epidermolysis bullosa simplex, Ogna type (EBS5A). Also called: Pidermolysis bullosa simplex 5A, Ogna type; EPIDERMOLYSIS BULLOSA SIMPLEX 5A, OGNA TYPE. Identifiers: Orphanet 79401, MedGen C0432317, MONDO:0007555, OMIM 131950.
Epidermolysis bullosa simplex 5C, with pyloric atresia (EBS5C). Also called: PLEC1-Related Epidermolysis Bullosa with Pyloric Atresia; PLEC-Related Epidermolysis Bullosa with Pyloric Atresia; Epidermolysis bullosa simplex with pyloric atresia. Identifiers: Orphanet 158684, MedGen C2677349, MONDO:0012807, OMIM 612138.

Allele frequency attached by ClinVar (database versions not stated): TOPMed 0.00003; gnomAD 0.00004; gnomAD exomes 0.00004 and 0.00005; ExAC 0.00009.
gnomAD v4.1: 68 of 1,596,866 alleles (0.0043%); highest among the groups gnomAD compares: Admixed American, 0.015%; no homozygotes.

Submissions (4):

PreventionGenetics, part of Exact Sciences
Classification: Likely benign for PLEC-related condition. Last evaluated: 2026-02-11. Review status: criteria provided, single submitter. Criteria: ACMG Guidelines, 2015. Collection method: clinical testing. Allele origin: germline.
Comment: This variant is classified as likely benign based on ACMG/AMP sequence variant interpretation guidelines (Richards et al. 2015 PMID: 25741868, with internal and published modifications).

Labcorp Genetics (formerly Invitae), Labcorp
Classification: Likely benign for Autosomal recessive limb-girdle muscular dystrophy type 2Q; Epidermolysis bullosa simplex, Ogna type; Epidermolysis bullosa simplex with nail dystrophy; Epidermolysis bullosa simplex 5C, with pyloric atresia; Epidermolysis bullosa simplex 5B, with muscular dystrophy. Last evaluated: 2025-10-02. Review status: criteria provided, single submitter. Criteria: Invitae Variant Classification Sherloc (09022015). Collection method: clinical testing. Allele origin: germline.

Blueprint Genetics
Classification: Likely benign. Last evaluated: 2024-09-13. Review status: criteria provided, single submitter. Criteria: ACMG Guidelines, 2015. Collection method: clinical testing. Allele origin: germline.

GeneDx
Classification: Likely benign. Last evaluated: 2016-12-15. Review status: criteria provided, single submitter. Criteria: GeneDx Variant Classification (06012015). Collection method: clinical testing. Allele origin: germline. Affected: yes.
Comment: This variant is considered likely benign or benign based on one or more of the following criteria: it is a conservative change, it occurs at a poorly conserved position in the protein, it is predicted to be benign by multiple in silico algorithms, and/or has population frequency not consistent with disease.